The following is an entry in ClinVar:

NM_001672.3(ASIP):c.283G>A (p.Ala95Thr)

Genes: AHCY (adenosylhomocysteinase; minus strand), ASIP (agouti signaling protein; plus strand). Cytogenetic location: 20q11.22.
Variant type: single nucleotide variant.
Coding change: c.283G>A on transcript NM_001672.3 (MANE Select); coding-DNA position 283, G replaced by A.
Protein change: p.Ala95Thr; replaces alanine 95 with threonine.
Molecular consequence: missense variant.
Genome position (GRCh38, 1-based): chr20:34,269,051, G>A. VCF-style: chr20-34269051-G-A. GRCh37 (hg19) VCF-style: chr20-32856857-G-A.
Other names: c.283G>A, p.Ala95Thr (NM_001385218.1); short protein forms A95T.
Identifiers: ClinVar variation 4997085 (VCV004997085.1).
Genomic context (GRCh38, chr20:34,269,051, plus strand): 5'-AAGGAGGCTTCGATGAAGAAAGTGGTGCGGCCCCGGACCCCCCTATCTGCGCCCTGCGTG[G>A]CCACCCGCAACAGCTGCAAGCCGCCGGCACCCGCCTGCTGCGACCCGTGCGCCTCCTGCC-3'
Protein context (NP_001663.2, residues 85-105): PRTPLSAPCV[Ala95Thr]TRNSCKPPAP

ClinVar aggregate classification (germline): Uncertain significance (1 of 4 stars; one submission).

Conditions:
ASIP-related condition.

gnomAD v4.1: 11 of 1,602,252 alleles (0.00069%); highest among the groups gnomAD compares: Non-Finnish European, 0.00094%; no homozygotes.

Submission:

PreventionGenetics, part of Exact Sciences
Classification: Uncertain significance for ASIP-related condition. Last evaluated: 2025-09-23. Review status: criteria provided, single submitter. Criteria: ACMG Guidelines, 2015. Collection method: clinical testing. Allele origin: germline.
Comment: The ASIP c.283G>A variant is predicted to result in the amino acid substitution p.Ala95Thr. To our knowledge, this variant has not been reported in the literature or in a large population database (gnomAD), indicating this variant is rare. At this time, the clinical significance of this variant is uncertain due to the absence of conclusive functional and genetic evidence.